The following is an entry in ClinVar:

NM_003919.3(SGCE):c.1211A>T (p.Asp404Val)

Genes: CASD1 (CAS1 domain sialic acid O acetyltransferase 1; plus strand), SGCE (sarcoglycan epsilon; minus strand). Cytogenetic location: 7q21.3.
Variant type: single nucleotide variant.
Coding change: c.1211A>T on transcript NM_003919.3 (MANE Select); coding-DNA position 1211, A replaced by T.
Protein change: p.Asp404Val; replaces aspartic acid 404 with valine.
Molecular consequence: missense variant.
Genome position (GRCh38, 1-based): chr7:94,598,817, T>A on the plus strand (A>T on the coding strand, the complement: SGCE is on the minus strand). VCF-style: chr7-94598817-T-A. GRCh37 (hg19) VCF-style: chr7-94228129-T-A.
Other names: c.1184A>T, p.Asp395Val (NM_001099400.2, NM_001346717.2); c.1211A>T, p.Asp404Val (NM_001099401.2); c.1088A>T, p.Asp363Val (NM_001301139.2); c.1319A>T, p.Asp440Val (NM_001346713.2); c.1292A>T, p.Asp431Val (NM_001346715.2); c.1124A>T, p.Asp375Val (NM_001346719.2); c.938A>T, p.Asp313Val (NM_001346720.2); c.1097A>T, p.Asp366Val (NM_001362807.2); and 2 more; short protein forms D354V, D404V, D304V, D313V, D366V, D440V, D363V, D375V.
Identifiers: ClinVar variation 4744643 (VCV004744643.1).

ClinVar aggregate classification (germline): Uncertain significance (1 of 4 stars; one submission).

Conditions:
Myoclonic dystonia 11 (DYT11). Also called: Myoclonic dystonia; Dystonia 11; Dystonia, alcohol responsive; Hereditary essential myoclonus; SGCE Myoclonus-Dystonia; Myoclonus-Dystonia. Identifiers: Orphanet 36899, MedGen C1834570, MONDO:0008044, OMIM 159900.

Submission:

Labcorp Genetics (formerly Invitae), Labcorp
Classification: Uncertain significance for Myoclonic dystonia 11. Last evaluated: 2025-06-19. Review status: criteria provided, single submitter. Criteria: Invitae Variant Classification Sherloc (09022015). Collection method: clinical testing. Allele origin: germline.
Comment: This sequence change replaces aspartic acid, which is acidic and polar, with valine, which is neutral and non-polar, at codon 404 of the SGCE protein (p.Asp404Val). This variant is not present in population databases (gnomAD no frequency). This variant has not been reported in the literature in individuals affected with SGCE-related conditions. Invitae Evidence Modeling of protein sequence and biophysical properties (such as structural, functional, and spatial information, amino acid conservation, physicochemical variation, residue mobility, and thermodynamic stability) indicates that this missense variant is not expected to disrupt SGCE protein function with a negative predictive value of 80%. In summary, the available evidence is currently insufficient to determine the role of this variant in disease. Therefore, it has been classified as a Variant of Uncertain Significance.